The following is an entry in ClinVar:

NM_015338.6(ASXL1):c.4072C>G (p.Pro1358Ala)

Gene: ASXL1 (ASXL transcriptional regulator 1; plus strand). Cytogenetic location: 20q11.21.
Variant type: single nucleotide variant.
Coding change: c.4072C>G on transcript NM_015338.6 (MANE Select); coding-DNA position 4072, C replaced by G.
Protein change: p.Pro1358Ala; replaces proline 1358 with alanine.
Molecular consequence: missense variant.
Genome position (GRCh38, 1-based): chr20:32,436,784, C>G. VCF-style: chr20-32436784-C-G. GRCh37 (hg19) VCF-style: chr20-31024587-C-G.
Other names: c.3889C>G, p.Pro1297Ala (NM_001363734.1); short protein forms P1297A, P1358A.
Identifiers: ClinVar variation 1317018 (VCV001317018.6), dbSNP rs554525759, ClinGen allele CA9808957.
Genomic context (GRCh38, chr20:32,436,784, plus strand): 5'-TTGGGACCAAGCACAAACTCCATGTCTGGTGGGGTACAGACTCCAAGGGAAGACTGGGCT[C>G]CAAAGCCACATGCCTTTGTTGGCAGCGTCAAGAATGAGAAGACTTTTGTGGGGGGTCCTC-3'
Protein context (NP_056153.2, residues 1348-1368): GVQTPREDWA[Pro1358Ala]KPHAFVGSVK

ClinVar aggregate classification (germline): Uncertain significance. Review status: criteria provided, multiple submitters, no conflicts (2 of 4 stars). 2 submissions from 2 submitters: Uncertain significance (2). Last evaluated 2025-07-14.

Allele frequency attached by ClinVar (database versions not stated): gnomAD exomes below 0.00001; ExAC 0.00001; gnomAD 0.00001; TOPMed 0.00002; 1000 Genomes Project 30x 0.00016; 1000 Genomes Project 0.00020.
gnomAD v4.1: 7 of 1,614,196 alleles (0.00043%); highest among the groups gnomAD compares: Admixed American, 0.005%; no homozygotes.

Submissions (2):

Labcorp Genetics (formerly Invitae), Labcorp
Classification: Uncertain significance. Last evaluated: 2025-07-14. Review status: criteria provided, single submitter. Criteria: Invitae Variant Classification Sherloc (09022015). Collection method: clinical testing. Allele origin: germline.
Comment: This sequence change replaces proline, which is neutral and non-polar, with alanine, which is neutral and non-polar, at codon 1358 of the ASXL1 protein (p.Pro1358Ala). This variant is present in population databases (rs554525759, gnomAD 0.0009%). This variant has not been reported in the literature in individuals affected with ASXL1-related conditions. ClinVar contains an entry for this variant (Variation ID: 1317018). An algorithm developed to predict the effect of missense changes on protein structure and function (PolyPhen-2) suggests that this variant is likely to be disruptive. In summary, the available evidence is currently insufficient to determine the role of this variant in disease. Therefore, it has been classified as a Variant of Uncertain Significance.

GeneDx
Classification: Uncertain significance. Last evaluated: 2019-05-16. Review status: criteria provided, single submitter. Criteria: GeneDx Variant Classification Process June 2021. Collection method: clinical testing. Allele origin: germline. Affected: yes.
Comment: In silico analysis, which includes protein predictors and evolutionary conservation, supports a deleterious effect; Missense variant in a gene in which most reported pathogenic variants are truncating/loss-of-function; Has not been previously published as pathogenic or benign to our knowledge